The following is an entry in ClinVar:

ClinVar aggregate classification (germline): Pathogenic/Likely pathogenic. Review status: criteria provided, multiple submitters, no conflicts (2 of 4 stars). 2 submissions from 2 submitters: Pathogenic (1); Likely pathogenic (1). Last evaluated 2019-11-02.

Conditions:
KMT2C-related NDD.

Submissions (2):

GeneDx
Classification: Likely pathogenic. Last evaluated: 2019-11-02. Review status: criteria provided, single submitter. Criteria: GeneDx Variant Classification Process June 2021. Collection method: clinical testing. Allele origin: germline. Affected: yes.
Comment: Canonical splice site variant in a gene for which loss-of-function is a known mechanism of disease; Not observed in large population cohorts (Lek et al., 2016); Has not been previously published as pathogenic or benign to our knowledge

Laboratory of Genetics, Children's Clinical University Hospital Latvia
Classification: Pathogenic for KMT2C-related NDD. Review status: criteria provided, single submitter. Criteria: ACMG Guidelines, 2015. Collection method: research. Allele origin: de novo. Affected: yes.

Literature cited by the submitters: PubMed 39013459 (cited by Laboratory of Genetics, Children's Clinical University Hospital Latvia).

NM_170606.3(KMT2C):c.1013-1G>A

Genes: KMT2C (lysine methyltransferase 2C; minus strand), LOC123956272 (Sharpr-MPRA regulatory region 15588; plus strand). Cytogenetic location: 7q36.1.
Variant type: single nucleotide variant.
Coding change: c.1013-1G>A on transcript NM_170606.3 (MANE Select); the canonical splice acceptor site of the intron before coding-DNA position 1013, G replaced by A.
Molecular consequence: splice acceptor variant.
Genome position (GRCh38, 1-based): chr7:152,265,210, C>T on the plus strand (G>A on the coding strand, the complement: KMT2C is on the minus strand). VCF-style: chr7-152265210-C-T. GRCh37 (hg19) VCF-style: chr7-151962295-C-T.
Identifiers: ClinVar variation 452718 (VCV000452718.5), dbSNP rs1554593120, ClinGen allele CA370092738.